The following is an entry in ClinVar:

ClinVar aggregate classification (germline): Uncertain significance. Review status: criteria provided, multiple submitters, no conflicts (2 of 4 stars). 4 submissions from 4 submitters: Uncertain significance (4). Last evaluated 2026-01-11.

Conditions:
Catecholaminergic polymorphic ventricular tachycardia 1. Also called: RYR2-Related Catecholaminergic Polymorphic Ventricular Tachycardia; VENTRICULAR TACHYCARDIA, CATECHOLAMINERGIC POLYMORPHIC, 1, WITH OR WITHOUT ATRIAL DYSFUNCTION AND/OR DILATED CARDIOMYOPATHY; VENTRICULAR TACHYCARDIA, STRESS-INDUCED POLYMORPHIC 1. Identifiers: Orphanet 3286, MedGen C1631597, MONDO:0011484, OMIM 604772.
Cardiovascular phenotype. Identifiers: MedGen CN230736.
Catecholaminergic polymorphic ventricular tachycardia (CVPT). Also called: Catecholamine-induced polymorphic ventricular tachycardia. Identifiers: Orphanet 3286, MedGen C5574922, MONDO:0017990.

Allele frequency attached by ClinVar (database versions not stated): gnomAD exomes below 0.00001; TOPMed 0.00001; ESP Exome Variant Server 0.00008.
gnomAD v4.1: 2 of 1,613,906 alleles (0.00012%); highest among the groups gnomAD compares: Non-Finnish European, 0.000085%; no homozygotes.

Submissions (4):

Labcorp Genetics (formerly Invitae), Labcorp
Classification: Uncertain significance for Catecholaminergic polymorphic ventricular tachycardia 1. Last evaluated: 2026-01-11. Review status: criteria provided, single submitter. Criteria: Invitae Variant Classification Sherloc (09022015). Collection method: clinical testing. Allele origin: germline.
Comment: This sequence change replaces glycine, which is neutral and non-polar, with valine, which is neutral and non-polar, at codon 250 of the RYR2 protein (p.Gly250Val). This variant is not present in population databases (gnomAD no frequency). This variant has not been reported in the literature in individuals affected with RYR2-related conditions. ClinVar contains an entry for this variant (Variation ID: 633402). Invitae Evidence Modeling of protein sequence and biophysical properties (such as structural, functional, and spatial information, amino acid conservation, physicochemical variation, residue mobility, and thermodynamic stability) indicates that this missense variant is not expected to disrupt RYR2 protein function with a negative predictive value of 95%. In summary, the available evidence is currently insufficient to determine the role of this variant in disease. Therefore, it has been classified as a Variant of Uncertain Significance.

All of Us Research Program, National Institutes of Health
Classification: Uncertain significance for Catecholaminergic polymorphic ventricular tachycardia. Last evaluated: 2023-09-04. Review status: criteria provided, single submitter. Criteria: ACMG Guidelines, 2015. Collection method: clinical testing. Allele origin: germline. Inheritance: Autosomal dominant inheritance. Observed: 3 variant alleles, 3 heterozygotes.
Comment: This missense variant replaces glycine with valine at codon 250 of the RYR2 protein. Computational prediction is inconclusive regarding the impact of this variant on protein structure and function (internally defined REVEL score threshold 0.5 < inconclusive < 0.7, PMID: 27666373). To our knowledge, functional studies have not been reported for this variant. This variant has not been reported in individuals affected with RYR2-related disorders in the literature. This variant has not been identified in the general population by the Genome Aggregation Database (gnomAD). The available evidence is insufficient to determine the role of this variant in disease conclusively. Therefore, this variant is classified as a Variant of Uncertain Significance.

This study involves interpretation of variants in research participants for the purpose of population health screening. Participant phenotype was not available at the time of variant classification. Additional details can be found in publication PMID: 35346344, PMCID: PMC8962531

Ambry Genetics
Classification: Uncertain significance for Cardiovascular phenotype. Last evaluated: 2022-07-05. Review status: criteria provided, single submitter. Criteria: Ambry Variant Classification Scheme 2023. Collection method: clinical testing. Allele origin: germline.
Comment: The p.G250V variant (also known as c.749G>T), located in coding exon 10 of the RYR2 gene, results from a G to T substitution at nucleotide position 749. The glycine at codon 250 is replaced by valine, an amino acid with dissimilar properties. This amino acid position is highly conserved in available vertebrate species. In addition, the in silico prediction for this alteration is inconclusive. Since supporting evidence is limited at this time, the clinical significance of this alteration remains unclear.

Women's Health and Genetics/Laboratory Corporation of America, LabCorp
Classification: Uncertain significance. Last evaluated: 2018-12-26. Review status: criteria provided, single submitter. Criteria: LabCorp Variant Classification Summary - May 2015. Collection method: clinical testing. Allele origin: germline.
Comment: Variant summary: RYR2 c.749G>T (p.Gly250Val) results in a non-conservative amino acid change located in the MIR motif (IPR016093) of the encoded protein sequence. Four of five in-silico tools predict a damaging effect of the variant on protein function. The variant was absent in 245984 control chromosomes (gnomAD). The available data on variant occurrences in the general population are insufficient to allow any conclusion about variant significance. To our knowledge, no occurrence of c.749G>T in individuals affected with Cardiomyopathy and no experimental evidence demonstrating its impact on protein function have been reported. No clinical diagnostic laboratories have submitted clinical-significance assessments for this variant to ClinVar after 2014. Based on the evidence outlined above, the variant was classified as uncertain significance.

NM_001035.3(RYR2):c.749G>T (p.Gly250Val)

Gene: RYR2 (ryanodine receptor 2; plus strand). Cytogenetic location: 1q43.
Variant type: single nucleotide variant.
Coding change: c.749G>T on transcript NM_001035.3 (MANE Select); coding-DNA position 749, G replaced by T.
Protein change: p.Gly250Val; replaces glycine 250 with valine.
Molecular consequence: missense variant.
Genome position (GRCh38, 1-based): chr1:237,388,159, G>T. VCF-style: chr1-237388159-G-T. GRCh37 (hg19) VCF-style: chr1-237551459-G-T.
Other names: c.749G>T, p.Gly250Val (LRG_402t1); short protein forms G250V.
Identifiers: ClinVar variation 633402 (VCV000633402.7), dbSNP rs376925177, ClinGen allele CA39776118.